The following is an entry in ClinVar:

NM_000080.4(CHRNE):c.442T>A (p.Cys148Ser)

Genes: C17orf107 (chromosome 17 open reading frame 107; plus strand), CHRNE (cholinergic receptor nicotinic epsilon subunit; minus strand). Cytogenetic location: 17p13.2.
Variant type: single nucleotide variant.
Coding change: c.442T>A on transcript NM_000080.4 (MANE Select); coding-DNA position 442, T replaced by A.
Protein change: p.Cys148Ser; replaces cysteine 148 with serine.
Molecular consequence: missense variant. On other transcripts: 3 prime UTR variant (1).
Genome position (GRCh38, 1-based): chr17:4,901,990, A>T on the plus strand (T>A on the coding strand, the complement: CHRNE is on the minus strand). VCF-style: chr17-4901990-A-T. GRCh37 (hg19) VCF-style: chr17-4805285-A-T.
Other names: c.442T>A (NM_000080.3); c.*1457A>T (NM_001145536.2); short protein forms C148S.
Identifiers: ClinVar variation 694659 (VCV000694659.51), dbSNP rs1597621396, ClinGen allele CA397306191.
Genomic context (GRCh38, chr17:4,901,990, plus strand): 5'-ACCGGAAAATAAGCGAACAGTTCTGCCAATCGAAGGGGAAGTAGGTGACCTCCACTGCGC[A>T]GACGCTGCGGTAGATGGCCGGAGGCAGCCACGTCACGGAGCCGCCCTCGTAGACGAGCAC-3'
Protein context (NP_000071.1, residues 138-158): WLPPAIYRSV[Cys148Ser]AVEVTYFPFD

ClinVar aggregate classification (germline): Pathogenic/Likely pathogenic. Review status: criteria provided, multiple submitters, no conflicts (2 of 4 stars). 7 submissions from 7 submitters: Pathogenic (3); Likely pathogenic (4). Last evaluated 2025-05-01.

Conditions:
Congenital myasthenic syndrome 4C (CMS4C). Also called: Myasthenic syndrome, congenital, associated with acetylcholine receptor deficiency. Identifiers: Orphanet 590, MedGen C1837091, MONDO:0012157, OMIM 608931.
Congenital myasthenic syndrome 4B. Also called: Myasthenic syndrome, congenital, 4b, fast-channel. Identifiers: Orphanet 590, MedGen C4225369, MONDO:0014586, OMIM 616324.
Congenital myasthenic syndrome 4A. Also called: MYASTHENIC SYNDROME, CONGENITAL, 4A, SLOW-CHANNEL, AUTOSOMAL RECESSIVE; CONGENITAL MYASTHENIC SYNDROME TYPE Ia1; Myasthenic syndrome, congenital, 4a, slow-channel. Identifiers: Orphanet 590, MedGen C4225413, MONDO:0011600, OMIM 605809.
Congenital myasthenic syndrome (CMS). Also called: Congenital Myasthenic Syndromes. Identifiers: Orphanet 590, MedGen C0751882, MeSH D020294, MONDO:0018940.
Abnormality of the musculature. Identifiers: MedGen C4021745, HP:0003011.

gnomAD v4.1: 3 of 1,613,692 alleles (0.00019%); highest among the groups gnomAD compares: Non-Finnish European, 0.00025%; no homozygotes.

Submissions (7):

CeGaT Center for Human Genetics Tuebingen
Classification: Pathogenic. Last evaluated: 2025-05-01. Review status: criteria provided, single submitter. Criteria: CeGaT Center For Human Genetics Tuebingen Variant Classification Criteria Version 2. Collection method: clinical testing. Allele origin: germline. Affected: yes. Observed: 2 variant alleles.
Comment: CHRNE: PM3:Strong, PM2, PP1:Moderate, PP3, PS3:Supporting

3billion
Classification: Pathogenic for Congenital myasthenic syndrome 4C. Last evaluated: 2024-10-27. Review status: criteria provided, single submitter. Criteria: ACMG Guidelines, 2015. Collection method: clinical testing. Allele origin: germline. Affected: yes.
Comment: The variant is observed at an extremely low frequency in the gnomAD v4.1.0 dataset (total allele frequency: <0.001%). Predicted Consequence/Location: Missense variant. The majority of the known disease-causing variants of this gene are variants expected to result in premature termination of the protein. Functional studies provide moderate evidence of the variant having a damaging effect on the gene or gene product (PMID: 9539130). In silico tool predictions suggest damaging effect of the variant on gene or gene product [REVEL: 0.99 (>=0.6, sensitivity 0.68 and specificity 0.92); 3Cnet: 0.99 (>=0.6, sensitivity 0.72 and precision 0.9)]. The same nucleotide change resulting in the same amino acid change has been previously reported as pathogenic/likely pathogenic with strong evidence (ClinVar ID: VCV000694659 /PMID: 9539130 /3billion dataset). The variant has been reported to be in trans with a pathogenic variant as either compound heterozygous or homozygous in at least 2 similarly affected unrelated individuals (PMID: 9539130 /3billion dataset). A different missense change at the same codon (p.Cys148Tyr) has been reported to be associated with CHRNE related disorder (ClinVar ID: VCV002807196). Therefore, this variant is classified as Pathogenic according to the recommendation of ACMG/AMP guideline.

Labcorp Genetics (formerly Invitae), Labcorp
Classification: Pathogenic for Congenital myasthenic syndrome 4A. Last evaluated: 2024-05-23. Review status: criteria provided, single submitter. Criteria: Invitae Variant Classification Sherloc (09022015). Collection method: clinical testing. Allele origin: germline.
Comment: This sequence change replaces cysteine, which is neutral and slightly polar, with serine, which is neutral and polar, at codon 148 of the CHRNE protein (p.Cys148Ser). This variant is not present in population databases (gnomAD no frequency). This missense change has been observed in individual(s) with autosomal recessive congenital myasthenic syndrome and/or clinical features of CHRNE-related conditions (PMID: 9539130; Invitae). In at least one individual the data is consistent with being in trans (on the opposite chromosome) from a pathogenic variant. It has also been observed to segregate with disease in related individuals. This variant is also known as C128S. ClinVar contains an entry for this variant (Variation ID: 694659). Advanced modeling of protein sequence and biophysical properties (such as structural, functional, and spatial information, amino acid conservation, physicochemical variation, residue mobility, and thermodynamic stability) performed at Invitae indicates that this missense variant is expected to disrupt CHRNE protein function with a positive predictive value of 95%. Experimental studies have shown that this missense change affects CHRNE function (PMID: 9539130). For these reasons, this variant has been classified as Pathogenic.

Natera, Inc.
Classification: Likely pathogenic for Congenital myasthenic syndrome. Last evaluated: 2024-02-26. Review status: criteria provided, single submitter. Criteria: Natera Variant Classification Schema (03/2026). Collection method: clinical testing. Allele origin: germline.
Comment: The c.442T>A variant in CHRNE is a missense variant predicted to cause substitution of cysteine to serine at amino acid 148. This variant is rare in the general population with a frequency below the threshold expected for the associated phenotype(s). This variant has been observed in one or more individuals affected with the associated recessive disease, as either homozygous or compound heterozygous with a second variant (PMID: 36099689, 29702980). Functional studies show that this variant may disrupt protein function (PMID: 9539130). Computational prediction algorithms indicate this variant is likely to affect gene or protein function. Given the available evidence, this variant is classified as Likely Pathogenic.

Kariminejad - Najmabadi Pathology & Genetics Center
Classification: Likely pathogenic for Abnormality of the musculature. Last evaluated: 2021-07-10. Review status: criteria provided, single submitter. Criteria: ACMG Guidelines, 2015. Collection method: clinical testing. Allele origin: germline. Affected: yes.

Revvity Omics, Revvity
Classification: Likely pathogenic. Last evaluated: 2019-06-03. Review status: criteria provided, single submitter. Criteria: ACMG Guidelines, 2015. Collection method: clinical testing. Allele origin: germline.

Juno Genomics, Hangzhou Juno Genomics, Inc
Classification: Likely pathogenic for Congenital myasthenic syndrome 4A; Congenital myasthenic syndrome 4B; Congenital myasthenic syndrome 4C. Review status: criteria provided, single submitter. Criteria: ACMG Guidelines, 2015. Collection method: clinical testing. Allele origin: germline.
Comment: Absent from controls (or at extremely low frequency if recessive) in Genome Aggregation Database.;Multiple lines of computational evidence support a deleterious effect on the gene or gene product.;For recessive disorders, detected in trans with a pathogenic variant.

Literature cited by the submitters: PubMed 9539130 (cited by 3 submitters); PubMed 36099689 (cited by Natera, Inc.); PubMed 29702980 (cited by Natera, Inc.).